The following is an entry in ClinVar:

ClinVar aggregate classification (germline): Likely benign. Review status: criteria provided, multiple submitters, no conflicts (2 of 4 stars). 2 submissions from 2 submitters: Likely benign (2). Last evaluated 2024-05-14.

Conditions:
Bethlem myopathy 1A. Also called: MYOPATHY, BENIGN CONGENITAL, WITH CONTRACTURES; Bethlem myopathy 1; Bethlem Muscular Dystrophy. Identifiers: Orphanet 610, MedGen CN029274, MONDO:0024530, OMIM 158810.

Allele frequency attached by ClinVar (database versions not stated): gnomAD 0.00001 and 0.00003; gnomAD exomes 0.00002 and 0.00004; TOPMed 0.00002; ExAC 0.00005; 1000 Genomes Project 30x 0.00031; 1000 Genomes Project 0.00040.
gnomAD v4.1: 35 of 1,612,834 alleles (0.0022%); highest among the groups gnomAD compares: East Asian, 0.0045%; no homozygotes.

Submissions (2):

Labcorp Genetics (formerly Invitae), Labcorp
Classification: Likely benign for Bethlem myopathy 1A. Last evaluated: 2024-05-14. Review status: criteria provided, single submitter. Criteria: Invitae Variant Classification Sherloc (09022015). Collection method: clinical testing. Allele origin: germline.

GeneDx
Classification: Likely benign. Last evaluated: 2017-03-15. Review status: criteria provided, single submitter. Criteria: GeneDx Variant Classification (06012015). Collection method: clinical testing. Allele origin: germline. Affected: yes.
Comment: This variant is considered likely benign or benign based on one or more of the following criteria: it is a conservative change, it occurs at a poorly conserved position in the protein, it is predicted to be benign by multiple in silico algorithms, and/or has population frequency not consistent with disease.

NM_001849.4(COL6A2):c.390C>T (p.Arg130=)

Gene: COL6A2 (collagen type VI alpha 2 chain; plus strand). Cytogenetic location: 21q22.3.
Variant type: single nucleotide variant.
Coding change: c.390C>T on transcript NM_001849.4 (MANE Select); coding-DNA position 390, C replaced by T.
Protein change: p.Arg130=; no amino-acid change (arginine 130 retained).
Molecular consequence: synonymous variant.
Genome position (GRCh38, 1-based): chr21:46,112,253, C>T. VCF-style: chr21-46112253-C-T. GRCh37 (hg19) VCF-style: chr21-47532167-C-T.
Other names: c.390C>T, p.Arg130= (NM_058174.3, NM_058175.3).
Identifiers: ClinVar variation 507973 (VCV000507973.9), dbSNP rs544610322, ClinGen allele CA10071281.